The following is an entry in ClinVar:

NM_004425.4(ECM1):c.1209_1210insTAGGAAGCCAATTGATATCATAGCTCAGACCATACCTATGTATCCAAATGGTTCTTTTTTTCC (p.Asn404Ter)

Gene: ECM1 (extracellular matrix protein 1; plus strand). Cytogenetic location: 1q21.2.
Variant type: Insertion.
Coding change: c.1209_1210insTAGGAAGCCAATTGATATCATAGCTCAGACCATACCTATGTATCCAAATGGTTCTTTTTTTCC on transcript NM_004425.4 (MANE Select); coding-DNA positions 1209 to 1210, TAGGAAGCCAATTGATATCATAGCTCAGACCATACCTATGTATCCAAATGGTTCTTTTTTTCC inserted.
Protein change: p.Asn404Ter; replaces asparagine 404 with a stop codon.
Molecular consequence: nonsense.
Genome position: GRCh38: chr1:150,512,477-150,512,478. GRCh37 (hg19): chr1:150,484,953-150,484,954.
Other names: c.1290_1291insTAGGAAGCCAATTGATATCATAGCTCAGACCATACCTATGTATCCAAATGGTTCTTTTTTTCC, p.Asn431Ter (NM_001202858.2); c.834_835insTAGGAAGCCAATTGATATCATAGCTCAGACCATACCTATGTATCCAAATGGTTCTTTTTTTCC, p.Asn279Ter (NM_022664.3); short protein forms N279*, N404*, N431*.
Identifiers: ClinVar variation 1687218 (VCV001687218.1), dbSNP rs2101440055, ClinGen allele CA2573130997.

ClinVar aggregate classification (germline): Pathogenic (1 of 4 stars; one submission).

Conditions:
Lipid proteinosis. Also called: HYALINOSIS CUTIS ET MUCOSAE; lipoid proteinosis; Lipoid Proteinosis of Urbach and Wiethe; Urbach Wiethe disease. Identifiers: Orphanet 530, MedGen C0023795, MONDO:0009530, OMIM 247100.

Submission:

3billion
Classification: Pathogenic for Lipid proteinosis. Last evaluated: 2022-05-22. Review status: criteria provided, single submitter. Criteria: ACMG Guidelines, 2015. Collection method: clinical testing. Allele origin: germline. Affected: yes. Observed: 1 homozygote.
Comment: The substitution creates a nonsense variant, which is expected to cause a loss of normal protein function via nonsense-mediated mRNA decay. It is absent from the gnomAD v2.1.1 dataset. Therefore, this variant is classified as pathogenic according to the recommendation of ACMG/AMP guideline.